The following is an entry in ClinVar:

ClinVar aggregate classification (germline): Uncertain significance (1 of 4 stars; one submission).

Conditions:
Congenital myasthenic syndrome 4A. Also called: MYASTHENIC SYNDROME, CONGENITAL, 4A, SLOW-CHANNEL, AUTOSOMAL RECESSIVE; Myasthenic syndrome, congenital, 4a, slow-channel; CONGENITAL MYASTHENIC SYNDROME TYPE Ia1. Identifiers: Orphanet 590, MedGen C4225413, MONDO:0011600, OMIM 605809.

Submission:

Labcorp Genetics (formerly Invitae), Labcorp
Classification: Uncertain significance for Congenital myasthenic syndrome 4A. Last evaluated: 2022-03-23. Review status: criteria provided, single submitter. Criteria: Invitae Variant Classification Sherloc (09022015). Collection method: clinical testing. Allele origin: germline.
Comment: This variant is not present in population databases (gnomAD no frequency). In summary, the available evidence is currently insufficient to determine the role of this variant in disease. Therefore, it has been classified as a Variant of Uncertain Significance. Algorithms developed to predict the effect of missense changes on protein structure and function (SIFT, PolyPhen-2, Align-GVGD) all suggest that this variant is likely to be disruptive. This variant has not been reported in the literature in individuals affected with CHRNE-related conditions. This sequence change replaces aspartic acid, which is acidic and polar, with valine, which is neutral and non-polar, at codon 229 of the CHRNE protein (p.Asp229Val).

NM_000080.4(CHRNE):c.686A>T (p.Asp229Val)

Genes: C17orf107 (chromosome 17 open reading frame 107; plus strand), CHRNE (cholinergic receptor nicotinic epsilon subunit; minus strand). Cytogenetic location: 17p13.2.
Variant type: single nucleotide variant.
Coding change: c.686A>T on transcript NM_000080.4 (MANE Select); coding-DNA position 686, A replaced by T.
Protein change: p.Asp229Val; replaces aspartic acid 229 with valine.
Molecular consequence: missense variant. On other transcripts: 3 prime UTR variant (1).
Genome position (GRCh38, 1-based): chr17:4,901,106, T>A on the plus strand (A>T on the coding strand, the complement: CHRNE is on the minus strand). VCF-style: chr17-4901106-T-A. GRCh37 (hg19) VCF-style: chr17-4804401-T-A.
Other names: c.*573T>A (NM_001145536.2); short protein forms D229V.
Identifiers: ClinVar variation 2092754 (VCV002092754.4), dbSNP rs1197107763, ClinGen allele CA397305078.